The following is an entry in ClinVar:

NM_001378120.1(MBD5):c.57A>G (p.Ile19Met)

Gene: MBD5 (methyl-CpG binding domain protein 5; plus strand). Cytogenetic location: 2q23.1.
Variant type: single nucleotide variant.
Coding change: c.57A>G on transcript NM_001378120.1 (MANE Select); coding-DNA position 57, A replaced by G.
Protein change: p.Ile19Met; replaces isoleucine 19 with methionine.
Molecular consequence: missense variant.
Genome position (GRCh38, 1-based): chr2:148,458,815, A>G. VCF-style: chr2-148458815-A-G. GRCh37 (hg19) VCF-style: chr2-149216384-A-G.
Other names: c.57A>G, p.Ile19Met (NM_018328.5); short protein forms I19M.
Identifiers: ClinVar variation 1050948 (VCV001050948.8), dbSNP rs757256547, ClinGen allele CA1899807.

ClinVar aggregate classification (germline): Uncertain significance (1 of 4 stars; one submission).

Conditions:
Intellectual developmental disorder, autosomal dominant 1. Also called: Intellectual disability, autosomal dominant 1; MBD5 Haploinsufficiency. Identifiers: Orphanet 228402, MedGen C1969562, MONDO:0007974, OMIM 156200.

Allele frequency attached by ClinVar (database versions not stated): gnomAD exomes 0.00001 and below 0.00001; ExAC 0.00001; gnomAD 0.00001; TOPMed 0.00001.
gnomAD v4.1: 5 of 1,613,656 alleles (0.00031%); highest among the groups gnomAD compares: Non-Finnish European, 0.00042%; no homozygotes.

Submission:

Labcorp Genetics (formerly Invitae), Labcorp
Classification: Uncertain significance for Intellectual developmental disorder, autosomal dominant 1. Last evaluated: 2023-08-10. Review status: criteria provided, single submitter. Criteria: Invitae Variant Classification Sherloc (09022015). Collection method: clinical testing. Allele origin: germline.
Comment: This sequence change replaces isoleucine, which is neutral and non-polar, with methionine, which is neutral and non-polar, at codon 19 of the MBD5 protein (p.Ile19Met). This variant is present in population databases (rs757256547, gnomAD 0.002%). This variant has not been reported in the literature in individuals affected with MBD5-related conditions. ClinVar contains an entry for this variant (Variation ID: 1050948). Advanced modeling of protein sequence and biophysical properties (such as structural, functional, and spatial information, amino acid conservation, physicochemical variation, residue mobility, and thermodynamic stability) performed at Invitae indicates that this missense variant is not expected to disrupt MBD5 protein function. In summary, the available evidence is currently insufficient to determine the role of this variant in disease. Therefore, it has been classified as a Variant of Uncertain Significance.